The following is an entry in ClinVar:

NM_000182.5(HADHA):c.1944_1945del (p.Asn649fs)

Genes: GAREM2 (GRB2 associated regulator of MAPK1 subtype 2; plus strand), HADHA (hydroxyacyl-CoA dehydrogenase trifunctional multienzyme complex subunit alpha; minus strand). Cytogenetic location: 2p23.3.
Variant type: Deletion.
Coding change: c.1944_1945del on transcript NM_000182.5 (MANE Select); coding-DNA positions 1944 to 1945, 2 bases deleted (GA; older notation c.1944_1945delGA).
Protein change: p.Asn649fs; shifts the reading frame from asparagine 649.
Molecular consequence: frameshift variant.
Genome position (GRCh38, 1-based): chr2:26,192,365-26,192,366, TC deleted on the plus strand (GA on the coding strand, the reverse complement: HADHA is on the minus strand). VCF-style (leftmost placement, unchanged base first): chr2-26192364-TTC-T. GRCh37 (hg19) VCF-style: chr2-26415233-TTC-T.
Other names: short protein forms N649fs.
Identifiers: ClinVar variation 1723963 (VCV001723963.3), dbSNP rs2465508542, ClinGen allele CA2580066164.

ClinVar aggregate classification (germline): Likely pathogenic (1 of 4 stars; one submission).

Conditions:
Long chain 3-hydroxyacyl-CoA dehydrogenase deficiency. Also called: LCHAD Deficiency; Deficiency of long-chain 3-hydroxyacyl-coenzyme A dehydrogenase. Identifiers: Orphanet 5, MedGen C3711645, MONDO:0012173, OMIM 609016.

Submission:

Myriad Genetics, Inc.
Classification: Likely pathogenic for Long chain 3-hydroxyacyl-CoA dehydrogenase deficiency. Last evaluated: 2022-01-17. Review status: criteria provided, single submitter. Criteria: Myriad Autosomal Dominant, Autosomal Recessive and X-Linked Classification Criteria (2023). Collection method: clinical testing. Allele origin: unknown.
Comment: NM_000182.4(HADHA):c.1944_1945delGA(N649Ffs*2) is expected to be pathogenic in the context of HADHA-related disorders. This variant is predicted to lead to an abnormal or absent protein product due to the creation of a premature termination codon in HADHA, a gene where loss-of-function variants are known to be pathogenic. Please note: this variant was assessed in the context of healthy population screening.